The following is an entry in ClinVar:

NM_020975.6(RET):c.842C>G (p.Ala281Gly)

Gene: RET (ret proto-oncogene; plus strand). Cytogenetic location: 10q11.21.
Variant type: single nucleotide variant.
Coding change: c.842C>G on transcript NM_020975.6 (MANE Select); coding-DNA position 842, C replaced by G.
Protein change: p.Ala281Gly; replaces alanine 281 with glycine.
Molecular consequence: missense variant.
Genome position (GRCh38, 1-based): chr10:43,105,168, C>G. VCF-style: chr10-43105168-C-G. GRCh37 (hg19) VCF-style: chr10-43600616-C-G.
Other names: c.842C>G, p.Ala281Gly (NM_000323.2, NM_001406743.1, NM_001406744.1 and 8 more transcripts); c.80C>G, p.Ala27Gly (NM_001355216.2); c.713C>G, p.Ala238Gly (NM_001406761.1, NM_001406762.1, NM_001406764.1 and 2 more transcripts); c.554C>G, p.Ala185Gly (NM_001406766.1, NM_001406767.1, NM_001406770.1); short protein forms A27G, A281G, A238G, A185G.
Identifiers: ClinVar variation 945519 (VCV000945519.11), dbSNP rs745642574, ClinGen allele CA206256867.
Genomic context (GRCh38, chr10:43,105,168, plus strand): 5'-CCGTGTACGACGAGGACGACTCGGCGCCCACCTTCCCCGCGGGCGTCGACACCGCCAGCG[C>G]CGTGGTGGAGTTCAAGCGGAAGGAGGTGCTTGTCCGCGCGTGCTGTGGTCTACCCAGTGT-3'
Protein context (NP_066124.1, residues 271-291): TFPAGVDTAS[Ala281Gly]VVEFKRKEDT

ClinVar aggregate classification (germline): Uncertain significance. Review status: criteria provided, multiple submitters, no conflicts (2 of 4 stars). 2 submissions from 2 submitters: Uncertain significance (2). Last evaluated 2024-03-06.

Conditions:
Multiple endocrine neoplasia, type 2 (MEN2). Identifiers: Orphanet 653, MedGen C4048306, MONDO:0019003. Disease mechanism: gain of function.
Hereditary cancer-predisposing syndrome. Also called: Neoplastic Syndromes, Hereditary; Hereditary Cancer Syndrome; Tumor predisposition; Hereditary neoplastic syndrome. Identifiers: Orphanet 140162, MedGen C0027672, MeSH D009386, MONDO:0015356.

Submissions (2):

Ambry Genetics
Classification: Uncertain significance for Hereditary cancer-predisposing syndrome. Last evaluated: 2024-03-06. Review status: criteria provided, single submitter. Criteria: Ambry Variant Classification Scheme 2023. Collection method: clinical testing. Allele origin: germline.
Comment: The p.A281G variant (also known as c.842C>G), located in coding exon 4 of the RET gene, results from a C to G substitution at nucleotide position 842. The alanine at codon 281 is replaced by glycine, an amino acid with similar properties. This amino acid position is conserved. In addition, this alteration is predicted to be tolerated by in silico analysis. Based on the available evidence, the clinical significance of this alteration remains unclear.

Labcorp Genetics (formerly Invitae), Labcorp
Classification: Uncertain significance for Multiple endocrine neoplasia, type 2. Last evaluated: 2019-06-14. Review status: criteria provided, single submitter. Criteria: Invitae Variant Classification Sherloc (09022015). Collection method: clinical testing. Allele origin: germline.
Comment: This sequence change replaces alanine with glycine at codon 281 of the RET protein (p.Ala281Gly). The alanine residue is weakly conserved and there is a small physicochemical difference between alanine and glycine. This variant is not present in population databases (ExAC no frequency). This variant has not been reported in the literature in individuals with RET-related conditions. Algorithms developed to predict the effect of missense changes on protein structure and function are either unavailable or do not agree on the potential impact of this missense change (SIFT: "Deleterious"; PolyPhen-2: "Benign"; Align-GVGD: "Class C0"). In summary, the available evidence is currently insufficient to determine the role of this variant in disease. Therefore, it has been classified as a Variant of Uncertain Significance.